The following is an entry in ClinVar:

NM_000937.5(POLR2A):c.3082C>T (p.Pro1028Ser)

Gene: POLR2A (RNA polymerase II subunit A; plus strand). Cytogenetic location: 17p13.1.
Variant type: single nucleotide variant.
Coding change: c.3082C>T on transcript NM_000937.5 (MANE Select); coding-DNA position 3082, C replaced by T.
Protein change: p.Pro1028Ser; replaces proline 1028 with serine.
Molecular consequence: missense variant.
Genome position (GRCh38, 1-based): chr17:7,503,633, C>T. VCF-style: chr17-7503633-C-T. GRCh37 (hg19) VCF-style: chr17-7406952-C-T.
Other names: short protein forms P1028S.
Identifiers: ClinVar variation 3359544 (VCV003359544.1).
Genomic context (GRCh38, chr17:7,503,633, plus strand): 5'-AATTGGTCCCCAGGAGTCAAGGAATTGAGCAAGAAGCTGGTGATTGTGAATGGGGATGAC[C>T]CACTAAGTCGACAGGCCCAGGAAAATGCCACGCTGCTCTTCAACATCCACCTGCGGTCCA-3'
Protein context (NP_000928.1, residues 1018-1038): KKLVIVNGDD[Pro1028Ser]LSRQAQENAT

ClinVar aggregate classification (germline): Uncertain significance (1 of 4 stars; one submission).

Submission:

GeneDx
Classification: Uncertain significance. Last evaluated: 2023-06-10. Review status: criteria provided, single submitter. Criteria: GeneDx Variant Classification Process June 2021. Collection method: clinical testing. Allele origin: germline. Affected: yes.
Comment: Not observed at significant frequency in large population cohorts (gnomAD); In silico analysis supports that this missense variant has a deleterious effect on protein structure/function; Has not been previously published as pathogenic or benign to our knowledge